The following is an entry in ClinVar:

NM_001191061.2(SLC25A22):c.202+14C>T

Gene: SLC25A22 (solute carrier family 25 member 22; minus strand). Cytogenetic location: 11p15.5.
Variant type: single nucleotide variant.
Coding change: c.202+14C>T on transcript NM_001191061.2 (MANE Select); 14 bases into the intron after coding-DNA position 202, C replaced by T.
Molecular consequence: intron variant.
Genome position (GRCh38, 1-based): chr11:794,444, G>A on the plus strand (C>T on the coding strand, the complement: SLC25A22 is on the minus strand). VCF-style: chr11-794444-G-A. GRCh37 (hg19) VCF-style: chr11-794444-G-A.
Other names: c.202+14C>T (NM_001191060.2, NM_024698.6).
Identifiers: ClinVar variation 139132 (VCV000139132.9), dbSNP rs587781168, ClinGen allele CA293513.

ClinVar aggregate classification (germline): Benign/Likely benign. Review status: criteria provided, multiple submitters, no conflicts (2 of 4 stars). 2 submissions from 2 submitters: Benign (1); Likely benign (1). Last evaluated 2026-01-24.

Conditions:
Early-infantile DEE. Also called: Ohtahara syndrome; Early infantile epileptic encephalopathy with suppression bursts; Early infantile epileptic encephalopathy. Identifiers: Orphanet 1934, MedGen C0393706, MONDO:0800491.

Allele frequency attached by ClinVar (database versions not stated): TOPMed 0.00001; gnomAD 0.00004 and 0.00005.
gnomAD v4.1: 32 of 1,612,040 alleles (0.002%); highest among the groups gnomAD compares: Admixed American, 0.017%; no homozygotes.

Submissions (2):

Labcorp Genetics (formerly Invitae), Labcorp
Classification: Likely benign for Early-infantile DEE. Last evaluated: 2026-01-24. Review status: criteria provided, single submitter. Criteria: Invitae Variant Classification Sherloc (09022015). Collection method: clinical testing. Allele origin: germline.

GeneDx
Classification: Benign. Last evaluated: 2014-03-20. Review status: criteria provided, single submitter. Criteria: GeneDx Variant Classification (06012015). Collection method: clinical testing. Allele origin: germline. Affected: yes.
Comment: This variant is considered likely benign or benign based on one or more of the following criteria: it is a conservative change, it occurs at a poorly conserved position in the protein, it is predicted to be benign by multiple in silico algorithms, and/or has population frequency not consistent with disease.